The following is an entry in ClinVar:

NM_173651.4(FSIP2):c.11171G>T (p.Arg3724Ile)

Gene: FSIP2 (fibrous sheath interacting protein 2; plus strand). Cytogenetic location: 2q32.1.
Variant type: single nucleotide variant.
Coding change: c.11171G>T on transcript NM_173651.4 (MANE Select); coding-DNA position 11171, G replaced by T.
Protein change: p.Arg3724Ile; replaces arginine 3724 with isoleucine.
Molecular consequence: missense variant.
Genome position (GRCh38, 1-based): chr2:185,800,477, G>T. VCF-style: chr2-185800477-G-T. GRCh37 (hg19) VCF-style: chr2-186665204-G-T.
Other names: short protein forms R3724I.
Identifiers: ClinVar variation 4983817 (VCV004983817.1).

ClinVar aggregate classification (germline): Uncertain significance (1 of 4 stars; one submission).

Conditions:
FSIP2-related disorder. Also called: FSIP2-related condition.

gnomAD v4.1: 107 of 1,533,150 alleles (0.007%); highest among the groups gnomAD compares: East Asian, 0.24%; no homozygotes.

Submission:

PreventionGenetics, part of Exact Sciences
Classification: Uncertain significance for FSIP2-related condition. Last evaluated: 2026-09-04. Review status: criteria provided, single submitter. Criteria: ACMG Guidelines, 2015. Collection method: clinical testing. Allele origin: germline.
Comment: The FSIP2 c.11171G>T variant is predicted to result in the amino acid substitution p.Arg3724Ile. To our knowledge, this variant has not been reported in the literature. This variant is reported in 0.30% of alleles in individuals of East Asian descent in gnomAD. Although we suspect that this variant may be benign, at this time, the clinical significance of this variant is uncertain due to the absence of conclusive functional and genetic evidence.